The following is an entry in ClinVar:

ClinVar aggregate classification (germline): Benign/Likely benign. Review status: criteria provided, multiple submitters, no conflicts (2 of 4 stars). 4 submissions from 4 submitters: Benign (2); Likely benign (2). Last evaluated 2026-09-01.

Allele frequency attached by ClinVar (database versions not stated): 1000 Genomes Project 30x 0.00078; 1000 Genomes Project 0.00100; gnomAD 0.00193 and 0.00203; gnomAD exomes 0.00198 and 0.00263; TOPMed 0.00219; ESP Exome Variant Server 0.00226; ExAC 0.00289.

Submissions (4):

CeGaT Center for Human Genetics Tuebingen
Classification: Likely benign. Last evaluated: 2026-09-01. Review status: criteria provided, single submitter. Criteria: CeGaT Center For Human Genetics Tuebingen Variant Classification Criteria Version 2. Collection method: clinical testing. Allele origin: germline. Affected: yes. Observed: 6 variant alleles.
Comment: CTNND1: BP4, BP7

Blueprint Genetics
Classification: Likely benign. Last evaluated: 2024-11-22. Review status: criteria provided, single submitter. Criteria: ACMG Guidelines, 2015. Collection method: clinical testing. Allele origin: germline.

Labcorp Genetics (formerly Invitae), Labcorp
Classification: Benign. Last evaluated: 2019-12-31. Review status: criteria provided, single submitter. Criteria: Invitae Variant Classification Sherloc (09022015). Collection method: clinical testing. Allele origin: germline.

Breakthrough Genomics
Classification: Benign. Review status: criteria provided, single submitter. Criteria: ACMG Guidelines, 2015. Collection method: not provided. Allele origin: germline. Inheritance: Autosomal dominant inheritance. Affected: yes.

NM_001085458.2(CTNND1):c.2760G>A (p.Ser920=)

Genes: TMX2-CTNND1 (TMX2-CTNND1 readthrough (NMD candidate); plus strand), CTNND1 (catenin delta 1; plus strand). Cytogenetic location: 11q12.1.
Variant type: single nucleotide variant.
Coding change: c.2760G>A on transcript NM_001085458.2 (MANE Select); coding-DNA position 2760, G replaced by A.
Protein change: p.Ser920=; no amino-acid change (serine 920 retained).
Molecular consequence: synonymous variant. On other transcripts: non-coding transcript variant (1).
Genome position (GRCh38, 1-based): chr11:57,815,452, G>A. VCF-style: chr11-57815452-G-A. GRCh37 (hg19) VCF-style: chr11-57582924-G-A.
Other names: c.2742G>A, p.Ser914= (NM_001085459.2, NM_001085460.2, NM_001085461.2 and 1 more transcripts); c.2457G>A, p.Ser819= (NM_001085463.2, NM_001085466.2); c.2439G>A, p.Ser813= (NM_001085464.2, NM_001085467.2, NM_001085468.2 and 2 more transcripts); c.2376G>A, p.Ser792= (NM_001085465.2); c.2598G>A, p.Ser866= (NM_001206883.2, NM_001206884.2); c.2760G>A, p.Ser920= (NM_001206885.2); c.2580G>A, p.Ser860= (NM_001206886.2, NM_001206888.2, NM_001206889.2 and 1 more transcripts); c.2517G>A, p.Ser839= (NM_001206887.2); and 1 more.
Identifiers: ClinVar variation 774624 (VCV000774624.19), dbSNP rs11570223, ClinGen allele CA6010772.